The following is an entry in ClinVar:

NM_001370259.2(MEN1):c.706_709dup (p.Ala237fs)

Gene: MEN1 (menin 1; minus strand). Cytogenetic location: 11q13.1.
Variant type: Duplication.
Coding change: c.706_709dup on transcript NM_001370259.2 (MANE Select); coding-DNA positions 706 to 709, 4 bases duplicated (GTGG; older notation c.706_709dupGTGG).
Protein change: p.Ala237fs; shifts the reading frame from alanine 237.
Molecular consequence: frameshift variant.
Genome position (GRCh38, 1-based): chr11:64,807,626-64,807,629, CCAC duplicated on the plus strand (GTGG on the coding strand, the reverse complement: MEN1 is on the minus strand); duplicating any 4 consecutive bases within chr11:64,807,626-64,807,630 gives the same sequence; the c. name uses the placement nearest the transcript's 3' end. VCF-style (leftmost placement, unchanged base first): chr11-64807625-G-GCCAC. GRCh37 (hg19) VCF-style: chr11-64575097-G-GCCAC.
Other names: c.706_709dupGTGG (NM_130799.2); c.721_724dup, p.Ala242fs (NM_000244.4, NM_130800.3, NM_130801.3 and 3 more transcripts); c.706_709dup, p.Ala237fs (NM_001370251.2, NM_001370260.2, NM_001370261.2 and 1 more transcripts); c.601_604dup, p.Ala202fs (NM_001370262.2, NM_001370263.2); short protein forms A202fs, A242fs, A237fs.
Identifiers: ClinVar variation 428078 (VCV000428078.6), dbSNP rs1114167534, ClinGen allele CA645369566.

ClinVar aggregate classification (germline): Pathogenic (1 of 4 stars; one submission).

Conditions:
Hereditary cancer-predisposing syndrome. Also called: Hereditary Cancer Syndrome; Neoplastic Syndromes, Hereditary; Hereditary neoplastic syndrome; Tumor predisposition. Identifiers: Orphanet 140162, MedGen C0027672, MeSH D009386, MONDO:0015356.

Submission:

Ambry Genetics
Classification: Pathogenic for Hereditary cancer-predisposing syndrome. Last evaluated: 2016-08-25. Review status: criteria provided, single submitter. Criteria: Ambry Variant Classification Scheme 2023. Collection method: clinical testing. Allele origin: germline.
Comment: The c.706_709dupGTGG pathogenic mutation, located in coding exon 3 of the MEN1 gene, results from a duplication of GTGG at nucleotide position 706, causing a translational frameshift with a predicted alternate stop codon. This alteration is expected to result in loss of function by premature protein truncation or nonsense-mediated mRNA decay. As such, this alteration is interpreted as a disease-causing mutation.